The following is an entry in ClinVar:

NM_080669.6(SLC46A1):c.1205C>T (p.Ala402Val)

Genes: SARM1 (sterile alpha and TIR motif containing 1; plus strand), SLC46A1 (solute carrier family 46 member 1; minus strand). Cytogenetic location: 17q11.2.
Variant type: single nucleotide variant.
Coding change: c.1205C>T on transcript NM_080669.6 (MANE Select); coding-DNA position 1205, C replaced by T.
Protein change: p.Ala402Val; replaces alanine 402 with valine.
Molecular consequence: missense variant. On other transcripts: 3 prime UTR variant (1).
Genome position (GRCh38, 1-based): chr17:28,400,727, G>A on the plus strand (C>T on the coding strand, the complement: SLC46A1 is on the minus strand). VCF-style: chr17-28400727-G-A. GRCh37 (hg19) VCF-style: chr17-26727744-G-A.
Other names: c.1121C>T, p.Ala374Val (NM_001242366.3); c.*4441G>A (NM_015077.4); short protein forms A374V, A402V.
Identifiers: ClinVar variation 3067702 (VCV003067702.22), dbSNP rs374232525, ClinGen allele CA8458187.

ClinVar aggregate classification (germline): Uncertain significance. Review status: criteria provided, multiple submitters, no conflicts (2 of 4 stars). 2 submissions from 2 submitters: Uncertain significance (2). Last evaluated 2024-03-01.

Conditions:
Inborn genetic diseases. Identifiers: MedGen C0950123, MeSH D030342.

Allele frequency attached by ClinVar (database versions not stated): gnomAD exomes 0.00001; ExAC 0.00005; ESP Exome Variant Server 0.00008; gnomAD 0.00009; TOPMed 0.00009.
gnomAD v4.1: 21 of 1,598,978 alleles (0.0013%); highest among the groups gnomAD compares: African/African-American, 0.027%; no homozygotes.

Submissions (2):

CeGaT Center for Human Genetics Tuebingen
Classification: Uncertain significance. Last evaluated: 2024-03-01. Review status: criteria provided, single submitter. Criteria: CeGaT Center For Human Genetics Tuebingen Variant Classification Criteria Version 2. Collection method: clinical testing. Allele origin: germline. Affected: yes. Observed: 1 variant allele.
Comment: SLC46A1: PM2, BP4

Ambry Genetics
Classification: Uncertain significance for Inborn genetic diseases. Last evaluated: 2024-01-24. Review status: criteria provided, single submitter. Criteria: Ambry Variant Classification Scheme 2023. Collection method: clinical testing. Allele origin: germline.